The following is an entry in ClinVar:

NM_001278116.2(L1CAM):c.400+5G>A

Gene: L1CAM (L1 cell adhesion molecule; minus strand). Cytogenetic location: Xq28.
Variant type: single nucleotide variant.
Coding change: c.400+5G>A on transcript NM_001278116.2 (MANE Select); 5 bases into the intron after coding-DNA position 400, G replaced by A.
Molecular consequence: intron variant.
Genome position (GRCh38, 1-based): chrX:153,872,147, C>T on the plus strand (G>A on the coding strand, the complement: L1CAM is on the minus strand). VCF-style: chrX-153872147-C-T. GRCh37 (hg19) VCF-style: chrX-153137602-C-T.
Other names: c.385+5G>A (NM_001143963.2); c.400+5G>A (NM_024003.3, NM_000425.5).
Identifiers: ClinVar variation 571917 (VCV000571917.45), dbSNP rs1569544908, ClinGen allele CA891844380.

ClinVar aggregate classification (germline): Pathogenic/Likely pathogenic. Review status: criteria provided, multiple submitters, no conflicts (2 of 4 stars). 3 submissions from 3 submitters: Pathogenic (1); Likely pathogenic (2). Last evaluated 2023-11-02.

Conditions:
Spastic paraplegia. Identifiers: MedGen C0037772, HP:0001258.

Submissions (3):

Revvity Omics, Revvity
Classification: Likely pathogenic. Last evaluated: 2023-11-02. Review status: criteria provided, single submitter. Criteria: ACMG Guidelines, 2015. Collection method: clinical testing. Allele origin: germline.

Labcorp Genetics (formerly Invitae), Labcorp
Classification: Pathogenic for Spastic paraplegia. Last evaluated: 2022-07-30. Review status: criteria provided, single submitter. Criteria: Invitae Variant Classification Sherloc (09022015). Collection method: clinical testing. Allele origin: germline.
Comment: For these reasons, this variant has been classified as Pathogenic. Variants that disrupt the consensus splice site are a relatively common cause of aberrant splicing (PMID: 17576681, 9536098). Algorithms developed to predict the effect of sequence changes on RNA splicing suggest that this variant may disrupt the consensus splice site. ClinVar contains an entry for this variant (Variation ID: 571917). This variant has been observed in individual(s) with L1 syndrome (PMID: 8069317; Invitae). It has also been observed to segregate with disease in related individuals. This variant is not present in population databases (gnomAD no frequency). This sequence change falls in intron 4 of the L1CAM gene. It does not directly change the encoded amino acid sequence of the L1CAM protein. It affects a nucleotide within the consensus splice site.

CeGaT Center for Human Genetics Tuebingen
Classification: Likely pathogenic. Last evaluated: 2020-09-01. Review status: criteria provided, single submitter. Criteria: CeGaT Center For Human Genetics Tuebingen Variant Classification Criteria Version 2. Collection method: clinical testing. Allele origin: germline. Affected: yes. Observed: 1 variant allele.

Literature cited by the submitters: PubMed 17576681 (cited by Labcorp Genetics (formerly Invitae), Labcorp); PubMed 9536098 (cited by Labcorp Genetics (formerly Invitae), Labcorp); PubMed 8069317 (cited by Labcorp Genetics (formerly Invitae), Labcorp).